The following is an entry in ClinVar:

NM_001558.4(IL10RA):c.884C>T (p.Pro295Leu)

Gene: IL10RA (interleukin 10 receptor subunit alpha; plus strand). Cytogenetic location: 11q23.3.
Variant type: single nucleotide variant.
Coding change: c.884C>T on transcript NM_001558.4 (MANE Select); coding-DNA position 884, C replaced by T.
Protein change: p.Pro295Leu; replaces proline 295 with leucine.
Molecular consequence: missense variant. On other transcripts: non-coding transcript variant (1).
Genome position (GRCh38, 1-based): chr11:117,998,788, C>T. VCF-style: chr11-117998788-C-T. GRCh37 (hg19) VCF-style: chr11-117869503-C-T.
Other names: p.Pro295Leu; short protein forms P295L.
Identifiers: ClinVar variation 538051 (VCV000538051.54), dbSNP rs56143179, ClinGen allele CA6299084.
Genomic context (GRCh38, chr11:117,998,788, plus strand): 5'-CCAGCCCCTTCATCTTCATCAGCCAGCGTCCCTCCCCAGAGACCCAAGACACCATCCACC[C>T]GCTTGATGAGGAGGCCTTTTTGAAGGTGTCCCCAGAGCTGAAGAACTTGGACCTGCACGG-3'
Protein context (NP_001549.2, residues 285-305): PSPETQDTIH[Pro295Leu]LDEEAFLKVS

ClinVar aggregate classification (germline): Conflicting classifications of pathogenicity. Review status: criteria provided, conflicting classifications (1 of 4 stars). 7 submissions from 7 submitters: Uncertain significance (4); Likely benign (3). Last evaluated 2026-04-01.

Conditions:
Inflammatory bowel disease 28. Also called: Inflammatory bowel disease 28, early onset, autosomal recessive. Identifiers: Orphanet 238569, MedGen C2751053, MONDO:0013153, OMIM 613148.

Allele frequency attached by ClinVar (database versions not stated): 1000 Genomes Project 0.00040; 1000 Genomes Project 30x 0.00062; TOPMed 0.00062; gnomAD exomes 0.00077; gnomAD 0.00083; ESP Exome Variant Server 0.00085; ExAC 0.00092.
gnomAD v4.1: 1,457 of 1,614,162 alleles (0.09%); highest among the groups gnomAD compares: Non-Finnish European, 0.11%; 2 homozygotes.

Submissions (7):

CeGaT Center for Human Genetics Tuebingen
Classification: Likely benign. Last evaluated: 2026-04-01. Review status: criteria provided, single submitter. Criteria: CeGaT Center For Human Genetics Tuebingen Variant Classification Criteria Version 2. Collection method: clinical testing. Allele origin: germline. Affected: yes. Observed: 10 variant alleles.
Comment: IL10RA: BP4, BS1

Mayo Clinic Laboratories, Mayo Clinic
Classification: Likely benign. Last evaluated: 2025-05-06. Review status: criteria provided, single submitter. Criteria: ACMG Guidelines, 2015. Collection method: clinical testing. Allele origin: germline. Observed: 3 variant alleles.
Comment: BS1, BS3_supporting, BP4_moderate

Department of Human Genetics, Hannover Medical School
Classification: Uncertain significance for Inflammatory bowel disease 28. Last evaluated: 2023-02-13. Review status: criteria provided, single submitter. Criteria: ACMG Guidelines, 2015. Collection method: clinical testing. Allele origin: germline. Affected: yes.
Comment: The VUS detected here is a missense variant that leads to an exchange of the amino acid proline, which is weakly conserved at the site, for leucine. In the LOVD shared database the variant is listed as VUS or probably benign, in the ClinVar database (e.g. SCV000768990.7) the variant is evaluated as VUS. In the gnomAD population database, an allele frequency of 0.08% is reported for the variant (gnomAD; ALL). An in silico analysis of this variant using the REVEL program suggests that it may be a variant without clinical significance.

Labcorp Genetics (formerly Invitae), Labcorp
Classification: Uncertain significance for Inflammatory bowel disease 28. Last evaluated: 2022-10-30. Review status: criteria provided, single submitter. Criteria: Invitae Variant Classification Sherloc (09022015). Collection method: clinical testing. Allele origin: germline.
Comment: This sequence change replaces proline, which is neutral and non-polar, with leucine, which is neutral and non-polar, at codon 295 of the IL10RA protein (p.Pro295Leu). This variant is present in population databases (rs56143179, gnomAD 0.1%), and has an allele count higher than expected for a pathogenic variant. This missense change has been observed in individual(s) with inflammatory bowel disease (PMID: 29248579, 33359885; Invitae). In at least one individual the data is consistent with being in trans (on the opposite chromosome) from a pathogenic variant. ClinVar contains an entry for this variant (Variation ID: 538051). Advanced modeling of protein sequence and biophysical properties (such as structural, functional, and spatial information, amino acid conservation, physicochemical variation, residue mobility, and thermodynamic stability) performed at Invitae indicates that this missense variant is not expected to disrupt IL10RA protein function. In summary, the available evidence is currently insufficient to determine the role of this variant in disease. Therefore, it has been classified as a Variant of Uncertain Significance.

GeneDx
Classification: Uncertain significance. Last evaluated: 2019-05-20. Review status: criteria provided, single submitter. Criteria: GeneDx Variant Classification Process June 2021. Collection method: clinical testing. Allele origin: germline. Affected: yes.
Comment: In silico analysis, which includes protein predictors and evolutionary conservation, supports that this variant does not alter protein structure/function; Identified in a patient with very onset inflammatory bowel disease (Girardelli et al., 2018); This variant is associated with the following publications: (PMID: 29248579)

Illumina Laboratory Services, Illumina
Classification: Uncertain significance for Inflammatory bowel disease 28. Last evaluated: 2018-01-13. Review status: criteria provided, single submitter. Criteria: ICSL Variant Classification Criteria 13 December 2019. Collection method: clinical testing. Allele origin: germline.

Institute for Genomic Medicine (IGM) Clinical Laboratory, Nationwide Children's Hospital
Classification: Likely benign. Last evaluated: 2017-08-15. Review status: criteria provided, single submitter. Criteria: ACMG Guidelines, 2015. Collection method: clinical testing. Allele origin: germline.
Comment: BS1, BP4; This alteration has an allele frequency that is greater than expected for the associated disease, and is predicted to be tolerated by multiple functional prediction tools.

Literature cited by the submitters: PubMed 29248579 (cited by Mayo Clinic Laboratories, Mayo Clinic and Labcorp Genetics (formerly Invitae), Labcorp); PubMed 33359885 (cited by Mayo Clinic Laboratories, Mayo Clinic and Labcorp Genetics (formerly Invitae), Labcorp); PubMed 36038634 (cited by Mayo Clinic Laboratories, Mayo Clinic); PubMed 36370291 (cited by Mayo Clinic Laboratories, Mayo Clinic); PubMed 37968638 (cited by Mayo Clinic Laboratories, Mayo Clinic).